The following is an entry in ClinVar:

ClinVar aggregate classification (germline): Uncertain significance (1 of 4 stars; one submission).

Submission:

Labcorp Genetics (formerly Invitae), Labcorp
Classification: Uncertain significance. Last evaluated: 2022-08-02. Review status: criteria provided, single submitter. Criteria: Invitae Variant Classification Sherloc (09022015). Collection method: clinical testing. Allele origin: germline.
Comment: In summary, the available evidence is currently insufficient to determine the role of this variant in disease. Therefore, it has been classified as a Variant of Uncertain Significance. Advanced modeling of protein sequence and biophysical properties (such as structural, functional, and spatial information, amino acid conservation, physicochemical variation, residue mobility, and thermodynamic stability) performed at Invitae indicates that this missense variant is not expected to disrupt CSF1R protein function. ClinVar contains an entry for this variant (Variation ID: 1425130). This variant has not been reported in the literature in individuals affected with CSF1R-related conditions. This variant is not present in population databases (gnomAD no frequency). This sequence change replaces aspartic acid, which is acidic and polar, with asparagine, which is neutral and polar, at codon 120 of the CSF1R protein (p.Asp120Asn).

NM_001288705.3(CSF1R):c.358G>A (p.Asp120Asn)

Gene: CSF1R (colony stimulating factor 1 receptor; minus strand). Cytogenetic location: 5q32.
Variant type: single nucleotide variant.
Coding change: c.358G>A on transcript NM_001288705.3 (MANE Select); coding-DNA position 358, G replaced by A.
Protein change: p.Asp120Asn; replaces aspartic acid 120 with asparagine.
Molecular consequence: missense variant. On other transcripts: 5 prime UTR variant (1), non-coding transcript variant (2).
Genome position (GRCh38, 1-based): chr5:150,080,286, C>T on the plus strand (G>A on the coding strand, the complement: CSF1R is on the minus strand). VCF-style: chr5-150080286-C-T. GRCh37 (hg19) VCF-style: chr5-149459849-C-T.
Other names: c.358G>A, p.Asp120Asn (NM_001349736.2, NM_001375320.1, NM_005211.4); c.-87G>A (NM_001375321.1); short protein forms D120N.
Identifiers: ClinVar variation 1425130 (VCV001425130.6), dbSNP rs2113831535, ClinGen allele CA361734614.